The following is an entry in ClinVar:

NM_000179.3(MSH6):c.3482C>T (p.Pro1161Leu)

Gene: MSH6 (mutS homolog 6; plus strand). Cytogenetic location: 2p16.3.
Variant type: single nucleotide variant.
Coding change: c.3482C>T on transcript NM_000179.3 (MANE Select); coding-DNA position 3482, C replaced by T.
Protein change: p.Pro1161Leu; replaces proline 1161 with leucine.
Molecular consequence: missense variant.
Genome position (GRCh38, 1-based): chr2:47,804,953, C>T. VCF-style: chr2-47804953-C-T. GRCh37 (hg19) VCF-style: chr2-48032092-C-T.
Other names: c.3092C>T, p.Pro1031Leu (NM_001281492.2); c.2576C>T, p.Pro859Leu (NM_001281493.2, NM_001281494.2, NM_001406811.1 and 6 more transcripts); c.3578C>T, p.Pro1193Leu (NM_001406795.1, NM_001406802.1); c.3482C>T, p.Pro1161Leu (NM_001406796.1, NM_001406800.1, NM_001406808.1 and 1 more transcripts); c.3185C>T, p.Pro1062Leu (NM_001406797.1, NM_001406801.1, NM_001406805.1 and 10 more transcripts); c.3308C>T, p.Pro1103Leu (NM_001406798.1); c.2957C>T, p.Pro986Leu (NM_001406799.1, NM_001406806.1, NM_001406807.1); c.2618C>T, p.Pro873Leu (NM_001406803.1); and 7 more; short protein forms P1062L, P1135L, P859L, P1031L, P1105L, P110L, P476L, P639L.
Identifiers: ClinVar variation 1731857 (VCV001731857.3), dbSNP rs2530801042, ClinGen allele CA346760135.

ClinVar aggregate classification (germline): Uncertain significance. Review status: criteria provided, multiple submitters, no conflicts (2 of 4 stars). 2 submissions from 2 submitters: Uncertain significance (2). Last evaluated 2025-07-15.

Conditions:
Hereditary cancer-predisposing syndrome. Also called: Neoplastic Syndromes, Hereditary; Tumor predisposition; Hereditary Cancer Syndrome; Hereditary neoplastic syndrome. Identifiers: Orphanet 140162, MedGen C0027672, MeSH D009386, MONDO:0015356.

Submissions (2):

Color Diagnostics, LLC DBA Color Health
Classification: Uncertain significance for Hereditary cancer-predisposing syndrome. Last evaluated: 2025-07-15. Review status: criteria provided, single submitter. Criteria: ACMG Guidelines, 2015. Collection method: clinical testing. Allele origin: germline.
Comment: This missense variant replaces proline with leucine at codon 1161 of the MSH6 protein. Computational prediction suggests that this variant may have deleterious impact on protein structure and function. To our knowledge, functional studies have not been reported for this variant. This variant has not been reported in individuals affected with MSH6-related disorders in the literature. This variant has not been identified in the general population by the Genome Aggregation Database (gnomAD). The available evidence is insufficient to determine the role of this variant in disease conclusively. Therefore, this variant is classified as a Variant of Uncertain Significance.

Ambry Genetics
Classification: Uncertain significance for Hereditary cancer-predisposing syndrome. Last evaluated: 2022-02-25. Review status: criteria provided, single submitter. Criteria: Ambry Variant Classification Scheme 2023. Collection method: clinical testing. Allele origin: germline.
Comment: The p.P1161L variant (also known as c.3482C>T), located in coding exon 6 of the MSH6 gene, results from a C to T substitution at nucleotide position 3482. The proline at codon 1161 is replaced by leucine, an amino acid with similar properties. This amino acid position is highly conserved in available vertebrate species. In addition, this alteration is predicted to be deleterious by in silico analysis. Since supporting evidence is limited at this time, the clinical significance of this alteration remains unclear.